The following is an entry in ClinVar:

NM_007215.4(POLG2):c.562G>T (p.Gly188Cys)

Genes: POLG2 (DNA polymerase gamma 2, accessory subunit; minus strand), MILR1 (mast cell immunoglobulin like receptor 1; plus strand). Cytogenetic location: 17q23.3.
Variant type: single nucleotide variant.
Coding change: c.562G>T on transcript NM_007215.4 (MANE Select); coding-DNA position 562, G replaced by T.
Protein change: p.Gly188Cys; replaces glycine 188 with cysteine.
Molecular consequence: missense variant.
Genome position (GRCh38, 1-based): chr17:64,496,407, C>A on the plus strand (G>T on the coding strand, the complement: POLG2 is on the minus strand). VCF-style: chr17-64496407-C-A. GRCh37 (hg19) VCF-style: chr17-62492525-C-A.
Other names: short protein forms G188C.
Identifiers: ClinVar variation 1379906 (VCV001379906.6), dbSNP rs1339478122, ClinGen allele CA400640669.
Genomic context (GRCh38, chr17:64,496,407, plus strand): 5'-CAAGACTGCCTCGCCTTTCCACCCGACACCTGTTTTGAAGCATGAAATCGTGAAGCATAC[C>A]GTGAAGAAGGTTCTCCCGTAGTTTCCCAGAAGTTTTTAATACGTTCTCAAGAAATGCTAC-3'
Protein context (NP_009146.2, residues 178-198): SGKLRENLLH[Gly188Cys]ALEHYVNCLD

ClinVar aggregate classification (germline): Uncertain significance (1 of 4 stars; one submission).

gnomAD v4.1: 1 of 1,563,830 alleles (0.000064%); highest among the groups gnomAD compares: Non-Finnish European, 0.000087%; no homozygotes.

Submission:

Labcorp Genetics (formerly Invitae), Labcorp
Classification: Uncertain significance. Last evaluated: 2021-09-06. Review status: criteria provided, single submitter. Criteria: Invitae Variant Classification Sherloc (09022015). Collection method: clinical testing. Allele origin: germline.
Comment: Algorithms developed to predict the effect of missense changes on protein structure and function (SIFT, PolyPhen-2, Align-GVGD) all suggest that this variant is likely to be disruptive. This sequence change replaces glycine with cysteine at codon 188 of the POLG2 protein (p.Gly188Cys). The glycine residue is highly conserved and there is a large physicochemical difference between glycine and cysteine. This variant also falls at the last nucleotide of exon 1, which is part of the consensus splice site for this exon. This variant is not present in population databases (ExAC no frequency). This variant has not been reported in the literature in individuals affected with POLG2-related conditions. Variants that disrupt the consensus splice site are a relatively common cause of aberrant splicing (PMID: 17576681, 9536098). Algorithms developed to predict the effect of sequence changes on RNA splicing suggest that this variant may disrupt the consensus splice site. In summary, the available evidence is currently insufficient to determine the role of this variant in disease. Therefore, it has been classified as a Variant of Uncertain Significance.

Literature cited by the submitters: PubMed 17576681; PubMed 9536098.